The following is an entry in ClinVar:

ClinVar aggregate classification (germline): Uncertain significance (1 of 4 stars; one submission).

Submission:

GeneDx
Classification: Uncertain significance. Last evaluated: 2022-01-14. Review status: criteria provided, single submitter. Criteria: GeneDx Variant Classification Process June 2021. Collection method: clinical testing. Allele origin: germline. Affected: yes.
Comment: Not observed at significant frequency in large population cohorts (gnomAD); In silico analysis supports that this missense variant does not alter protein structure/function; Has not been previously published as pathogenic or benign to our knowledge

NM_001378418.1(TCF20):c.4997G>A (p.Gly1666Asp)

Gene: TCF20 (transcription factor 20; minus strand). Cytogenetic location: 22q13.2.
Variant type: single nucleotide variant.
Coding change: c.4997G>A on transcript NM_001378418.1 (MANE Select); coding-DNA position 4997, G replaced by A.
Protein change: p.Gly1666Asp; replaces glycine 1666 with aspartic acid.
Molecular consequence: missense variant.
Genome position (GRCh38, 1-based): chr22:42,210,309, C>T on the plus strand (G>A on the coding strand, the complement: TCF20 is on the minus strand). VCF-style: chr22-42210309-C-T. GRCh37 (hg19) VCF-style: chr22-42606315-C-T.
Other names: c.4997G>A, p.Gly1666Asp (NM_005650.4, NM_181492.3); short protein forms G1666D.
Identifiers: ClinVar variation 1696878 (VCV001696878.2), dbSNP rs1402380311, ClinGen allele CA411782813.